The following is an entry in ClinVar:

ClinVar aggregate classification (germline): Uncertain significance (1 of 4 stars; one submission).

gnomAD v4.1: 1 of 1,204,728 alleles (0.000083%); highest among the groups gnomAD compares: African/African-American, 0.0017%; no homozygotes.

Submission:

GeneDx
Classification: Uncertain significance. Last evaluated: 2024-05-06. Review status: criteria provided, single submitter. Criteria: GeneDx Variant Classification Process June 2021. Collection method: clinical testing. Allele origin: germline. Affected: yes.
Comment: In silico analysis supports that this missense variant has a deleterious effect on protein structure/function; Has not been previously published as pathogenic or benign to our knowledge

NM_004586.3(RPS6KA3):c.658G>A (p.Asp220Asn)

Gene: RPS6KA3 (ribosomal protein S6 kinase A3; minus strand). Cytogenetic location: Xp22.12.
Variant type: single nucleotide variant.
Coding change: c.658G>A on transcript NM_004586.3 (MANE Select); coding-DNA position 658, G replaced by A.
Protein change: p.Asp220Asn; replaces aspartic acid 220 with asparagine.
Molecular consequence: missense variant.
Genome position (GRCh38, 1-based): chrX:20,187,944, C>T on the plus strand (G>A on the coding strand, the complement: RPS6KA3 is on the minus strand). VCF-style: chrX-20187944-C-T. GRCh37 (hg19) VCF-style: chrX-20206062-C-T.
Other names: short protein forms D220N.
Identifiers: ClinVar variation 3376088 (VCV003376088.1).